The following is an entry in ClinVar:

NM_006306.4(SMC1A):c.2299_2301del (p.Glu767del)

Gene: SMC1A (structural maintenance of chromosomes 1A; minus strand). Cytogenetic location: Xp11.22.
Variant type: Deletion.
Coding change: c.2299_2301del on transcript NM_006306.4 (MANE Select); coding-DNA positions 2299 to 2301, 3 bases deleted (GAG; older notation c.2299_2301delGAG).
Protein change: p.Glu767del; deletes glutamic acid 767.
Molecular consequence: inframe deletion.
Genome position (GRCh38, 1-based): chrX:53,403,789-53,403,791, CTC deleted on the plus strand (GAG on the coding strand, the reverse complement: SMC1A is on the minus strand); deleting any 3 consecutive bases within chrX:53,403,789-53,403,793 gives the same sequence; the c. name uses the placement nearest the transcript's 3' end. VCF-style (leftmost placement, unchanged base first): chrX-53403788-TCTC-T. GRCh37 (hg19) VCF-style: chrX-53430720-TCTC-T.
Other names: c.2233_2235del, p.Glu745del (NM_001281463.1); short protein forms E767del, E745del.
Identifiers: ClinVar variation 2743919 (VCV002743919.3), dbSNP rs2520920739, ClinGen allele CA2697553119.

ClinVar aggregate classification (germline): Uncertain significance (1 of 4 stars; one submission).

Conditions:
Congenital muscular hypertrophy-cerebral syndrome (CDLS2). Also called: Cornelia de Lange syndrome 2; SMC1A-Related Cornelia de Lange Syndrome. Identifiers: Orphanet 199, MedGen C1802395, MONDO:0010370, OMIM 300590.

Submission:

Labcorp Genetics (formerly Invitae), Labcorp
Classification: Uncertain significance for Congenital muscular hypertrophy-cerebral syndrome. Last evaluated: 2023-07-16. Review status: criteria provided, single submitter. Criteria: Invitae Variant Classification Sherloc (09022015). Collection method: clinical testing. Allele origin: germline.
Comment: This variant has not been reported in the literature in individuals affected with SMC1A-related conditions. In summary, the available evidence is currently insufficient to determine the role of this variant in disease. Therefore, it has been classified as a Variant of Uncertain Significance. Experimental studies and prediction algorithms are not available or were not evaluated, and the functional significance of this variant is currently unknown. This variant is not present in population databases (gnomAD no frequency). This variant, c.2299_2301del, results in the deletion of 1 amino acid(s) of the SMC1A protein (p.Glu767del), but otherwise preserves the integrity of the reading frame.